The following is an entry in ClinVar:

NM_006767.4(LZTR1):c.1078_1079insCTT (p.Lys360delinsThrTer)

Gene: LZTR1 (leucine zipper like post translational regulator 1; plus strand). Cytogenetic location: 22q11.21.
Variant type: Insertion.
Coding change: c.1078_1079insCTT on transcript NM_006767.4 (MANE Select); coding-DNA positions 1078 to 1079, CTT inserted.
Protein change: p.Lys360delinsThrTer.
Molecular consequence: nonsense.
Genome position: GRCh38 VCF-style: chr22-20992298-A-ACTT. GRCh37 (hg19) VCF-style: chr22-21346587-A-ACTT.
Identifiers: ClinVar variation 3869307 (VCV003869307.1).
Genomic context (GRCh38, chr22:20,992,298, plus strand): 5'-CGAGCCTGTGCTTCCGAGGAGGTGCCCACCCTGACCTATGAGGAGCGGGTTGGCTTCAAG[A>ACTT]AGTCCCGAGATGTGTTTGGCCTGGACTTTGGCACCACCTCAGCCAAGCAGCCCACCCAGC-3'

ClinVar aggregate classification (germline): Pathogenic (1 of 4 stars; one submission).

Conditions:
Cardiovascular phenotype. Identifiers: MedGen CN230736.
Hereditary cancer-predisposing syndrome. Also called: Tumor predisposition; Neoplastic Syndromes, Hereditary; Hereditary Cancer Syndrome; Hereditary neoplastic syndrome. Identifiers: Orphanet 140162, MedGen C0027672, MeSH D009386, MONDO:0015356.

Submission:

Ambry Genetics
Classification: Pathogenic for Cardiovascular phenotype; Hereditary cancer-predisposing syndrome. Last evaluated: 2025-02-06. Review status: criteria provided, single submitter. Criteria: Ambry Variant Classification Scheme 2023. Collection method: clinical testing. Allele origin: germline.
Comment: The c.1078_1079insCTT pathogenic mutation (also known as p.K360delinsT*), located in coding exon 10 of the LZTR1 gene, results from an in-frame CTT insertion at nucleotide positions 1078 to 1079. This results in the substitution of a lysine residue for a threonine residue at codon 360 and an immediate stop codon. This variant is considered to be rare based on population cohorts in the Genome Aggregation Database (gnomAD). This alteration is expected to result in loss of function by premature protein truncation or nonsense-mediated mRNA decay. Loss-of-function variants in LZTR1 are related to an increased risk for schwannomas and autosomal recessive Noonan syndrome; however, such associations with autosomal dominant Noonan syndrome have not been observed (Piotrowski A et al. Nat Genet. 2014 Feb;46:182-7; Yamamoto GL et al. J Med Genet. 2015 Jun;52:413-21; Johnston JJ et al. Genet Med. 2018 10;20:1175-1185). Based on the supporting evidence, this variant is pathogenic for an increased risk of LZTR1-related schwannomatosis (SWN) and would be expected to cause autosomal recessive Noonan syndrome when present along with a second pathogenic or likely pathogenic variant on the other allele; however, the association of this alteration with autosomal dominant Noonan syndrome is unlikely.